The following is an entry in ClinVar:

NM_001397406.1(FDX2):c.145+16G>A

Genes: FDX2 (ferredoxin 2; minus strand), FDX2-ZGLP1 (FDX2-ZGLP1 readthrough (NMD candidate); minus strand). Cytogenetic location: 19p13.2.
Variant type: single nucleotide variant.
Coding change: c.145+16G>A on transcript NM_001397406.1 (MANE Select); 16 bases into the intron after coding-DNA position 145, G replaced by A.
Molecular consequence: intron variant.
Genome position (GRCh38, 1-based): chr19:10,315,836, C>T on the plus strand (G>A on the coding strand, the complement: FDX2 is on the minus strand). VCF-style: chr19-10315836-C-T. GRCh37 (hg19) VCF-style: chr19-10426512-C-T.
Identifiers: ClinVar variation 379972 (VCV000379972.13), dbSNP rs78295726, ClinGen allele CA9191336.

ClinVar aggregate classification (germline): Benign. Review status: criteria provided, multiple submitters, no conflicts (2 of 4 stars). 3 submissions from 3 submitters: Benign (3). Last evaluated 2026-02-02.

Allele frequency attached by ClinVar (database versions not stated): 1000 Genomes Project 0.08906; 1000 Genomes Project 30x 0.09104; TOPMed 0.11852; gnomAD 0.12358 and 0.12520; gnomAD exomes 0.12399; ExAC 0.12974; ESP Exome Variant Server 0.14287.

Submissions (3):

Labcorp Genetics (formerly Invitae), Labcorp
Classification: Benign. Last evaluated: 2026-02-02. Review status: criteria provided, single submitter. Criteria: Invitae Variant Classification Sherloc (09022015). Collection method: clinical testing. Allele origin: germline.

GeneDx
Classification: Benign. Last evaluated: 2015-12-02. Review status: criteria provided, single submitter. Criteria: GeneDx Variant Classification (06012015). Collection method: clinical testing. Allele origin: germline. Affected: yes.
Comment: This variant is considered likely benign or benign based on one or more of the following criteria: it is a conservative change, it occurs at a poorly conserved position in the protein, it is predicted to be benign by multiple in silico algorithms, and/or has population frequency not consistent with disease.

Breakthrough Genomics
Classification: Benign. Review status: criteria provided, single submitter. Criteria: ACMG Guidelines, 2015. Collection method: not provided. Allele origin: germline. Inheritance: Autosomal recessive inheritance. Affected: yes.